The following is an entry in ClinVar:

ClinVar aggregate classification (germline): Benign. Review status: criteria provided, multiple submitters, no conflicts (2 of 4 stars). 5 submissions from 5 submitters: Benign (5). Last evaluated 2026-02-04.

Conditions:
Congenital dyserythropoietic anemia, type I. Also called: Dyserythropoietic anemia, congenital type 1. Identifiers: Orphanet 98869, MedGen C0271933, MONDO:0020337. Disease mechanism: loss of function.
Anemia, congenital dyserythropoietic, type 1a (CDAN1A). Also called: DYSERYTHROPOIETIC ANEMIA, CONGENITAL, TYPE Ia; CDAN1-Related Congenital Dyserythropoietic Anemia. Identifiers: MedGen C5574667, MONDO:0009135, OMIM 224120.

Allele frequency attached by ClinVar (database versions not stated): 1000 Genomes Project 0.00459; 1000 Genomes Project 30x 0.00500; ESP Exome Variant Server 0.00796; TOPMed 0.01048; gnomAD exomes 0.01067 and 0.01667; gnomAD 0.01171 and 0.01218; ExAC 0.02313.
gnomAD v4.1: 25,124 of 1,560,556 alleles (1.6%); highest among the groups gnomAD compares: Non-Finnish European, 1.9%; 272 homozygotes.

Submissions (5):

Labcorp Genetics (formerly Invitae), Labcorp
Classification: Benign. Last evaluated: 2026-02-04. Review status: criteria provided, single submitter. Criteria: Invitae Variant Classification Sherloc (09022015). Collection method: clinical testing. Allele origin: germline.

Mayo Clinic Laboratories, Mayo Clinic
Classification: Benign. Last evaluated: 2025-09-18. Review status: criteria provided, single submitter. Criteria: ACMG Guidelines, 2015. Collection method: clinical testing. Allele origin: germline. Observed: 59 variant alleles.
Comment: BS1, BS2, BP4, BP7

ARUP Laboratories, Molecular Genetics and Genomics, ARUP Laboratories
Classification: Benign for Anemia, congenital dyserythropoietic, type 1a. Last evaluated: 2025-07-03. Review status: criteria provided, single submitter. Criteria: ARUP Molecular Germline Variant Investigation Process 2024. Collection method: clinical testing. Allele origin: germline.

Illumina Laboratory Services, Illumina
Classification: Benign for Anemia, congenital dyserythropoietic, type 1a. Last evaluated: 2018-01-12. Review status: criteria provided, single submitter. Criteria: ICSL Variant Classification Criteria 13 December 2019. Collection method: clinical testing. Allele origin: germline.
Comment: This variant was observed in the ICSL laboratory as part of a predisposition screen in an ostensibly healthy population. It had not been previously curated by ICSL or reported in the Human Gene Mutation Database (HGMD: prior to June 1st, 2018), and was therefore a candidate for classification through an automated scoring system. Utilizing variant allele frequency, disease prevalence and penetrance estimates, and inheritance mode, an automated score was calculated to assess if this variant is too frequent to cause the disease. Based on the score and internal cut-off values, a variant classified as benign is not then subjected to further curation. The score for this variant resulted in a classification of benign for this disease.

Breakthrough Genomics
Classification: Benign. Review status: criteria provided, single submitter. Criteria: ACMG Guidelines, 2015. Collection method: not provided. Allele origin: germline. Inheritance: Autosomal recessive inheritance. Affected: yes.

NM_138477.4(CDAN1):c.157C>T (p.Leu53=)

Gene: CDAN1 (codanin 1; minus strand). Cytogenetic location: 15q15.2.
Variant type: single nucleotide variant.
Coding change: c.157C>T on transcript NM_138477.4 (MANE Select); coding-DNA position 157, C replaced by T.
Protein change: p.Leu53=; no amino-acid change (leucine 53 retained).
Molecular consequence: synonymous variant.
Genome position (GRCh38, 1-based): chr15:42,736,714, G>A on the plus strand (C>T on the coding strand, the complement: CDAN1 is on the minus strand). VCF-style: chr15-42736714-G-A. GRCh37 (hg19) VCF-style: chr15-43028912-G-A.
Other names: p.Leu53=; c.157C>T, p.Leu53= (LRG_1164t1).
Identifiers: ClinVar variation 315956 (VCV000315956.25), dbSNP rs186189866, ClinGen allele CA7516446.
Genomic context (GRCh38, chr15:42,736,714, plus strand): 5'-CGGGGGTCGGGGGCCCCTGCGGGAGGACGCGGCTGCTCTGCTCCCTCAGGAAGTTCAACA[G>A]GAACGGTACGAATTCTTTCCGCAGGGCCCGGAGTGAGCTCAGCGCGGCCGCCTCCCCAGC-3'
Protein context (NP_612486.2, residues 43-63): RALRKEFVPF[Leu53=]LNFLREQSSR